The following is an entry in ClinVar:

NM_001060.6(TBXA2R):c.38G>A (p.Arg13Gln)

Gene: TBXA2R (thromboxane A2 receptor; minus strand). Cytogenetic location: 19p13.3.
Variant type: single nucleotide variant.
Coding change: c.38G>A on transcript NM_001060.6 (MANE Select); coding-DNA position 38, G replaced by A.
Protein change: p.Arg13Gln; replaces arginine 13 with glutamine.
Molecular consequence: missense variant.
Genome position (GRCh38, 1-based): chr19:3,600,597, C>T on the plus strand (G>A on the coding strand, the complement: TBXA2R is on the minus strand). VCF-style: chr19-3600597-C-T. GRCh37 (hg19) VCF-style: chr19-3600595-C-T.
Other names: c.38G>A, p.Arg13Gln (NM_201636.3); short protein forms R13Q.
Identifiers: ClinVar variation 2750555 (VCV002750555.3), dbSNP rs1193408533, ClinGen allele CA403336264.

ClinVar aggregate classification (germline): Uncertain significance (1 of 4 stars; one submission).

Allele frequency attached by ClinVar (database versions not stated): gnomAD 0.00002; TOPMed 0.00003.

Submission:

Labcorp Genetics (formerly Invitae), Labcorp
Classification: Uncertain significance. Last evaluated: 2023-06-15. Review status: criteria provided, single submitter. Criteria: Invitae Variant Classification Sherloc (09022015). Collection method: clinical testing. Allele origin: germline.
Comment: An algorithm developed to predict the effect of missense changes on protein structure and function (PolyPhen-2) suggests that this variant is likely to be disruptive. This variant has not been reported in the literature in individuals affected with TBXA2R-related conditions. This variant is present in population databases (no rsID available, gnomAD 0.01%). This sequence change replaces arginine, which is basic and polar, with glutamine, which is neutral and polar, at codon 13 of the TBXA2R protein (p.Arg13Gln). In summary, the available evidence is currently insufficient to determine the role of this variant in disease. Therefore, it has been classified as a Variant of Uncertain Significance.